The following is an entry in ClinVar:

NM_001243279.3(ACSF3):c.1577dup (p.His526fs)

Gene: ACSF3 (acyl-CoA synthetase family member 3; plus strand). Cytogenetic location: 16q24.3.
Variant type: Duplication.
Coding change: c.1577dup on transcript NM_001243279.3 (MANE Select); coding-DNA position 1577, one base duplicated (A; older notation c.1577dupA).
Protein change: p.His526fs; shifts the reading frame from histidine 526.
Molecular consequence: frameshift variant. On other transcripts: non-coding transcript variant (4).
Genome position (GRCh38, 1-based): chr16:89,146,013, A duplicated. VCF-style (leftmost placement, unchanged base first): chr16-89146012-C-CA. GRCh37 (hg19) VCF-style: chr16-89212420-C-CA.
Other names: c.1577dup, p.His526fs (NM_001127214.4, NM_174917.5); c.782dup, p.His261fs (NM_001284316.2); c.1577dupA (NM_174917.4); short protein forms H261fs, H526fs.
Identifiers: ClinVar variation 2503867 (VCV002503867.2), dbSNP rs2543867318, ClinGen allele CA2576118619.

ClinVar aggregate classification (germline): Likely pathogenic. Review status: criteria provided, multiple submitters, no conflicts (2 of 4 stars). 2 submissions from 2 submitters: Likely pathogenic (2). Last evaluated 2023-04-14.

Conditions:
Combined malonic and methylmalonic acidemia. Identifiers: Orphanet 289504, MedGen C3280314, MONDO:0013661, OMIM 614265.

Submissions (2):

Women's Health and Genetics/Laboratory Corporation of America, LabCorp
Classification: Likely pathogenic for Combined malonic and methylmalonic acidemia. Last evaluated: 2023-04-14. Review status: criteria provided, single submitter. Criteria: LabCorp Variant Classification Summary - May 2015. Collection method: clinical testing. Allele origin: germline.
Comment: Variant summary: ACSF3 c.1577dupA (p.His526GlnfsX40) results in a premature termination codon and is predicted to cause a truncation of the encoded protein. Although the variant is not predicted to cause absence of the protein through nonsense mediated decay, the variant impacts the last 41 amino acids in the protein sequence. Missense variants downstream of this position have been classified as pathogenic by our laboratory, suggesting that the disrupted region is important for normal protein function. The variant was absent in 251332 control chromosomes (gnomAD). To our knowledge, no occurrence of c.1577dupA in individuals affected with Combined Malonic And Methylmalonic Aciduria and no experimental evidence demonstrating its impact on protein function have been reported. No clinical diagnostic laboratories have submitted clinical-significance assessments for this variant to ClinVar after 2014. Based on the evidence outlined above, the variant was classified as likely pathogenic.

Baylor Genetics
Classification: Likely pathogenic for Combined malonic and methylmalonic acidemia. Last evaluated: 2023-02-25. Review status: criteria provided, single submitter. Criteria: ACMG Guidelines, 2015. Collection method: clinical testing. Allele origin: unknown.